The following is an entry in ClinVar:

ClinVar aggregate classification (germline): Uncertain significance (1 of 4 stars; one submission).

Conditions:
Familial adenomatous polyposis 1 (FAP1). Also called: FAMILIAL ADENOMATOUS POLYPOSIS 1, ATTENUATED; POLYPOSIS, ADENOMATOUS INTESTINAL. Identifiers: MedGen C2713442, MONDO:0021056, OMIM 175100. Disease mechanism: loss of function.

gnomAD v4.1: 1 of 1,612,942 alleles (0.000062%); no homozygotes.

Submission:

Labcorp Genetics (formerly Invitae), Labcorp
Classification: Uncertain significance for Familial adenomatous polyposis 1. Last evaluated: 2022-11-10. Review status: criteria provided, single submitter. Criteria: Invitae Variant Classification Sherloc (09022015). Collection method: clinical testing. Allele origin: germline.
Comment: In summary, the available evidence is currently insufficient to determine the role of this variant in disease. Therefore, it has been classified as a Variant of Uncertain Significance. Advanced modeling of protein sequence and biophysical properties (such as structural, functional, and spatial information, amino acid conservation, physicochemical variation, residue mobility, and thermodynamic stability) performed at Invitae indicates that this missense variant is not expected to disrupt APC protein function. This variant has not been reported in the literature in individuals affected with APC-related conditions. This variant is not present in population databases (gnomAD no frequency). This sequence change replaces serine, which is neutral and polar, with glycine, which is neutral and non-polar, at codon 678 of the APC protein (p.Ser678Gly).

NM_000038.6(APC):c.2032A>G (p.Ser678Gly)

Gene: APC (APC regulator of Wnt signaling pathway; plus strand). Cytogenetic location: 5q22.2.
Variant type: single nucleotide variant.
Coding change: c.2032A>G on transcript NM_000038.6 (MANE Select); coding-DNA position 2032, A replaced by G.
Protein change: p.Ser678Gly; replaces serine 678 with glycine.
Molecular consequence: missense variant. On other transcripts: non-coding transcript variant (2).
Genome position (GRCh38, 1-based): chr5:112,837,626, A>G. VCF-style: chr5-112837626-A-G. GRCh37 (hg19) VCF-style: chr5-112173323-A-G.
Other names: c.2032A>G, p.Ser678Gly (NM_001127510.3, NM_001354895.2, NM_001407450.1); c.1978A>G, p.Ser660Gly (NM_001127511.3); c.2086A>G, p.Ser696Gly (NM_001354896.2, NM_001407447.1, NM_001407448.1 and 1 more transcripts); c.2062A>G, p.Ser688Gly (NM_001354897.2); c.1957A>G, p.Ser653Gly (NM_001354898.2); c.1948A>G, p.Ser650Gly (NM_001354899.2); c.1909A>G, p.Ser637Gly (NM_001354900.2); c.1855A>G, p.Ser619Gly (NM_001354901.2, NM_001407453.1); and 11 more; short protein forms S294G, S518G, S595G, S637G, S678G, S696G, S549G, S552G.
Identifiers: ClinVar variation 2813350 (VCV002813350.3), dbSNP rs1765094824, ClinGen allele CA16025761.